The following is an entry in ClinVar:

NM_001011.4(RPS7):c.263G>T (p.Ser88Ile)

Gene: RPS7 (ribosomal protein S7; plus strand). Cytogenetic location: 2p25.3.
Variant type: single nucleotide variant.
Coding change: c.263G>T on transcript NM_001011.4 (MANE Select); coding-DNA position 263, G replaced by T.
Protein change: p.Ser88Ile; replaces serine 88 with isoleucine.
Molecular consequence: missense variant.
Genome position (GRCh38, 1-based): chr2:3,576,602, G>T. VCF-style: chr2-3576602-G-T. GRCh37 (hg19) VCF-style: chr2-3624192-G-T.
Other names: short protein forms S88I.
Identifiers: ClinVar variation 1496140 (VCV001496140.8), dbSNP rs2147819948, ClinGen allele CA345743093.

ClinVar aggregate classification (germline): Uncertain significance (1 of 4 stars; one submission).

Conditions:
Diamond-Blackfan anemia 8 (DBA8). Also called: RPS7-Related Diamond-Blackfan Anemia. Identifiers: Orphanet 124, MedGen C2675511, MONDO:0012939, OMIM 612563.

gnomAD v4.1: 3 of 1,614,228 alleles (0.00019%); highest among the groups gnomAD compares: Non-Finnish European, 0.00025%; no homozygotes.

Submission:

Labcorp Genetics (formerly Invitae), Labcorp
Classification: Uncertain significance for Diamond-Blackfan anemia 8. Last evaluated: 2020-11-02. Review status: criteria provided, single submitter. Criteria: Invitae Variant Classification Sherloc (09022015). Collection method: clinical testing. Allele origin: germline.
Comment: This sequence change replaces serine with isoleucine at codon 88 of the RPS7 protein (p.Ser88Ile). The serine residue is highly conserved and there is a large physicochemical difference between serine and isoleucine. This variant has not been reported in the literature in individuals with RPS7-related conditions. This variant is not present in population databases (ExAC no frequency). Algorithms developed to predict the effect of missense changes on protein structure and function are either unavailable or do not agree on the potential impact of this missense change (SIFT: "Deleterious"; PolyPhen-2: "Probably Damaging"; Align-GVGD: "Class C15"). In summary, the available evidence is currently insufficient to determine the role of this variant in disease. Therefore, it has been classified as a Variant of Uncertain Significance.